The following is an entry in ClinVar:

ClinVar aggregate classification (germline): Conflicting classifications of pathogenicity. Review status: criteria provided, conflicting classifications (1 of 4 stars). 2 submissions from 2 submitters: Uncertain significance (1); Likely benign (1). Last evaluated 2024-05-20.

Allele frequency attached by ClinVar (database versions not stated): TOPMed below 0.00001; gnomAD 0.00001; gnomAD exomes 0.00002; ExAC 0.00003.

Submissions (2):

Blueprint Genetics
Classification: Likely benign. Last evaluated: 2024-05-20. Review status: criteria provided, single submitter. Criteria: ACMG Guidelines, 2015. Collection method: clinical testing. Allele origin: germline.

Labcorp Genetics (formerly Invitae), Labcorp
Classification: Uncertain significance. Last evaluated: 2021-12-07. Review status: criteria provided, single submitter. Criteria: Invitae Variant Classification Sherloc (09022015). Collection method: clinical testing. Allele origin: germline.
Comment: In summary, the available evidence is currently insufficient to determine the role of this variant in disease. Therefore, it has been classified as a Variant of Uncertain Significance. Variants that disrupt the consensus splice site are a relatively common cause of aberrant splicing (PMID: 17576681, 9536098). Algorithms developed to predict the effect of sequence changes on RNA splicing suggest that this variant is not likely to affect RNA splicing. This variant has not been reported in the literature in individuals affected with ABCC6-related conditions. This variant is present in population databases (rs775931276, gnomAD 0.01%). This sequence change falls in intron 30 of the ABCC6 gene. It does not directly change the encoded amino acid sequence of the ABCC6 protein. It affects a nucleotide within the consensus splice site.

Literature cited by the submitters: PubMed 17576681 (cited by Labcorp Genetics (formerly Invitae), Labcorp); PubMed 9536098 (cited by Labcorp Genetics (formerly Invitae), Labcorp).

NM_001171.6(ABCC6):c.4403+6G>T

Genes: ABCC6 (ATP binding cassette subfamily C member 6; minus strand), LOC125146421 (Sharpr-MPRA regulatory region 15590; plus strand). Cytogenetic location: 16p13.11.
Variant type: single nucleotide variant.
Coding change: c.4403+6G>T on transcript NM_001171.6 (MANE Select); 6 bases into the intron after coding-DNA position 4403, G replaced by T.
Molecular consequence: intron variant.
Genome position (GRCh38, 1-based): chr16:16,150,572, C>A on the plus strand (G>T on the coding strand, the complement: ABCC6 is on the minus strand). VCF-style: chr16-16150572-C-A. GRCh37 (hg19) VCF-style: chr16-16244429-C-A.
Other names: c.4061+6G>T (NM_001351800.1).
Identifiers: ClinVar variation 1396493 (VCV001396493.7), dbSNP rs775931276, ClinGen allele CA7925204.